The following is an entry in ClinVar:

ClinVar aggregate classification (germline): Pathogenic. Review status: criteria provided, multiple submitters, no conflicts (2 of 4 stars). 4 submissions from 4 submitters: Pathogenic (4). Last evaluated 2019-10-19.

Conditions:
Hereditary spastic paraplegia 54. Also called: Spastic paraplegia 54, autosomal recessive. Identifiers: Orphanet 320380, MedGen C3539495, MONDO:0014018, OMIM 615033.

Allele frequency attached by ClinVar (database versions not stated): gnomAD 0.00001; TOPMed 0.00001.
gnomAD v4.1: 11 of 1,613,920 alleles (0.00068%); highest among the groups gnomAD compares: Admixed American, 0.0033%; no homozygotes.

Submissions (4):

Labcorp Genetics (formerly Invitae), Labcorp
Classification: Pathogenic for Hereditary spastic paraplegia 54. Last evaluated: 2019-10-19. Review status: criteria provided, single submitter. Criteria: Invitae Variant Classification Sherloc (09022015). Collection method: clinical testing. Allele origin: germline.
Comment: This sequence change creates a premature translational stop signal (p.Arg329*) in the DDHD2 gene. It is expected to result in an absent or disrupted protein product. For these reasons, this variant has been classified as Pathogenic. Loss-of-function variants in DDHD2 are known to be pathogenic (PMID: 23176823, 23486545). This variant has not been reported in the literature in individuals with DDHD2-related disease. This variant is present in population databases (rs201258800, ExAC 0.009%).

GeneDx
Classification: Pathogenic. Last evaluated: 2017-10-04. Review status: criteria provided, single submitter. Criteria: GeneDx Variant Classification (06012015). Collection method: clinical testing. Allele origin: germline. Affected: yes.
Comment: The R329X nonsense variant in the DDHD2 gene is predicted to cause loss of normal protein function either through protein truncation or nonsense-mediated mRNA decay. The R329X variant is not observed at a significant frequency in large population cohorts (Lek et al., 2016).

Department of Biochemistry, Faculty of Medicine, University of Khartoum
Classification: Pathogenic for Hereditary spastic paraplegia 54. Review status: criteria provided, single submitter. Criteria: ACMG Guidelines, 2015. Collection method: research. Allele origin: biparental. Affected: yes. Observed: 3 variant alleles.

Paris Brain Institute, Inserm - ICM
Classification: Pathogenic for Hereditary spastic paraplegia 54. Review status: criteria provided, single submitter. Criteria: ACMG Guidelines, 2015. Collection method: clinical testing. Allele origin: unknown. Affected: yes. Observed: 2 variant alleles.

Literature cited by the submitters: PubMed 23176823 (cited by Labcorp Genetics (formerly Invitae), Labcorp); PubMed 23486545 (cited by Labcorp Genetics (formerly Invitae), Labcorp).

NM_015214.3(DDHD2):c.985C>T (p.Arg329Ter)

Gene: DDHD2 (DDHD domain containing 2; plus strand). Cytogenetic location: 8p11.23.
Variant type: single nucleotide variant.
Coding change: c.985C>T on transcript NM_015214.3 (MANE Select); coding-DNA position 985, C replaced by T.
Protein change: p.Arg329Ter; replaces arginine 329 with a stop codon.
Molecular consequence: nonsense. On other transcripts: non-coding transcript variant (2).
Genome position (GRCh38, 1-based): chr8:38,245,878, C>T. VCF-style: chr8-38245878-C-T. GRCh37 (hg19) VCF-style: chr8-38103396-C-T.
Other names: c.985C>T, p.Arg329Ter (NM_001164232.2, NM_001362911.2, NM_001362912.2 and 1 more transcripts); c.895C>T, p.Arg299Ter (NM_001362913.2); short protein forms R329*, R299*.
Identifiers: ClinVar variation 452548 (VCV000452548.11), dbSNP rs201258800, ClinGen allele CA4716128.
Genomic context (GRCh38, chr8:38,245,878, plus strand): 5'-TTCTACAATAGTCCCACCTACTGTCAGACTATTGTGGACACAGTTGCTTCTGAAATGAAC[C>T]GAATATACACACTTTTTCTACAGAGGAACCCTGATTTCAAAGGGGGTGTATCCATTGCTG-3'